The following is an entry in ClinVar:

ClinVar aggregate classification (germline): Pathogenic (1 of 4 stars; one submission).

Submission:

ISCA site 15
Classification: Pathogenic. Last evaluated: 2011-08-12. Review status: criteria provided, single submitter. Criteria: Kaminsky et al. (Genet Med. 2011). Collection method: clinical testing. Allele origin: maternal. Affected: yes. Observed: 2 variant alleles.
Comment: Copy number variation identified through the course of routine clinical cytogenomic testing in postnatal populations. Clinical assertions have been curated as described in Kaminsky et al. 2011.

GRCh38/hg38 15q13.2-13.3(chr15:30361674-32222779)x1

Genes: ARHGAP11B (Rho GTPase activating protein 11B), ARHGAP11B-DT (ARHGAP11B divergent transcript), CHRFAM7A (CHRNA7 (exons 5-10) and FAM7A (exons A-E) fusion; minus strand), CHRNA7 (cholinergic receptor nicotinic alpha 7 subunit), FAN1 (FANCD2 and FANCI associated nuclease 1; plus strand) and 32 more. Cytogenetic location: 15q13.2-13.3.
Variant type: copy number loss.
Change: copy number 1 (one copy instead of two) of chr15:30,361,674-32,222,779 (1.86 Mb, GRCh38 coordinates, 1-based), cytogenetic band 15q13.2-13.3.
Identifiers: ClinVar variation 160914 (VCV000160914.1).